The following is an entry in ClinVar:

NM_024809.5(TCTN2):c.1206del (p.Phe402fs)

Gene: TCTN2 (tectonic family member 2; plus strand). Cytogenetic location: 12q24.31.
Variant type: Deletion.
Coding change: c.1206del on transcript NM_024809.5 (MANE Select); coding-DNA position 1206, one base deleted (T; older notation c.1206delT).
Protein change: p.Phe402fs; shifts the reading frame from phenylalanine 402.
Molecular consequence: frameshift variant. On other transcripts: intron variant (1).
Genome position (GRCh38, 1-based): chr12:123,694,948, T deleted; the last of 5 consecutive T bases (chr12:123,694,944-123,694,948); deleting any one gives the same sequence. VCF-style (leftmost placement, unchanged base first): chr12-123694943-AT-A. GRCh37 (hg19) VCF-style: chr12-124179490-AT-A.
Other names: c.1203del, p.Phe401fs (NM_001143850.3); c.1100-272del (NM_001410989.1); c.1206delT (NM_024809.5); short protein forms F401fs, F402fs.
Identifiers: ClinVar variation 4813867 (VCV004813867.1).
Genomic context (GRCh38, chr12:123,694,943, plus strand): 5'-GTGGAAGAACATTATATTTTCAAATGGAATAATAATACCATCAGTGAAATAAATGTTAAA[AT>A]TTTTAGGGCAGAGATTAATGCCCACCAGAAAGGTAACTTTGATGAGGGTAGCAAGCATGC-3'

ClinVar aggregate classification (germline): Likely pathogenic (1 of 4 stars; one submission).

Conditions:
Focal segmental glomerulosclerosis (FSGS). Also called: Glomerulosclerosis, focal; Focal sclerosis with hyalinosis. Identifiers: MedGen C0017668, MONDO:0100313, HP:0000097. Disease mechanism: loss of function.

Submission:

Molecular Lab, University of Sulaimaniyah
Classification: Likely pathogenic for Focal segmental glomerulosclerosis. Last evaluated: 2026-03-12. Review status: criteria provided, single submitter. Criteria: ACMG Guidelines, 2015. Collection method: clinical testing. Allele origin: germline. Inheritance: Autosomal recessive inheritance. Affected: yes. Observed: 1 variant allele, 1 homozygote.
Comment: This variant was classified using the ACMG/AMP 2015 framework (PMID:25741868). PVS1 was applied because TCTN2 c.1206delT is a predicted loss-of-function frameshift variant expected to create a premature termination codon in a recessive ciliopathy-associated gene for which loss of function is an established disease mechanism. The submitted classification reflects this combination of variant type, gene-disease mechanism, and internal observation data. Overall, the weight of evidence supported a Likely pathogenic classification.